The following is an entry in ClinVar:

ClinVar aggregate classification (germline): Uncertain significance. Review status: criteria provided, multiple submitters, no conflicts (2 of 4 stars). 4 submissions from 4 submitters: Uncertain significance (4). Last evaluated 2024-08-05.

Conditions:
Inborn genetic diseases. Identifiers: MedGen C0950123, MeSH D030342.
Fraser syndrome 3. Identifiers: MedGen C4540040, MONDO:0054739, OMIM 617667.

Allele frequency attached by ClinVar (database versions not stated): ESP Exome Variant Server 0.00016; ExAC 0.00022; gnomAD exomes 0.00023; TOPMed 0.00029; gnomAD 0.00032 and 0.00034.
gnomAD v4.1: 893 of 1,613,736 alleles (0.055%); highest among the groups gnomAD compares: Non-Finnish European, 0.069%; 1 homozygote.

Submissions (4):

Ambry Genetics
Classification: Uncertain significance for Inborn genetic diseases. Last evaluated: 2024-08-05. Review status: criteria provided, single submitter. Criteria: Ambry Variant Classification Scheme 2023. Collection method: clinical testing. Allele origin: germline.

Fulgent Genetics
Classification: Uncertain significance for Fraser syndrome 3. Last evaluated: 2024-02-16. Review status: criteria provided, single submitter. Criteria: ACMG Guidelines, 2015. Collection method: clinical testing. Allele origin: germline.

Labcorp Genetics (formerly Invitae), Labcorp
Classification: Uncertain significance. Last evaluated: 2022-06-15. Review status: criteria provided, single submitter. Criteria: Invitae Variant Classification Sherloc (09022015). Collection method: clinical testing. Allele origin: germline.
Comment: This sequence change replaces arginine, which is basic and polar, with histidine, which is basic and polar, at codon 905 of the GRIP1 protein (p.Arg905His). This variant is present in population databases (rs202030145, gnomAD 0.05%). This variant has not been reported in the literature in individuals affected with GRIP1-related conditions. ClinVar contains an entry for this variant (Variation ID: 310300). Algorithms developed to predict the effect of missense changes on protein structure and function are either unavailable or do not agree on the potential impact of this missense change (SIFT: "Deleterious"; PolyPhen-2: "Possibly Damaging"; Align-GVGD: "Class C0"). In summary, the available evidence is currently insufficient to determine the role of this variant in disease. Therefore, it has been classified as a Variant of Uncertain Significance.

Illumina Laboratory Services, Illumina
Classification: Uncertain significance for Fraser syndrome 3. Last evaluated: 2018-01-12. Review status: criteria provided, single submitter. Criteria: ICSL Variant Classification Criteria 13 December 2019. Collection method: clinical testing. Allele origin: germline.

NM_001366722.1(GRIP1):c.2870G>A (p.Arg957His)

Gene: GRIP1 (glutamate receptor interacting protein 1; minus strand). Cytogenetic location: 12q14.3.
Variant type: single nucleotide variant.
Coding change: c.2870G>A on transcript NM_001366722.1 (MANE Select); coding-DNA position 2870, G replaced by A.
Protein change: p.Arg957His; replaces arginine 957 with histidine.
Molecular consequence: missense variant.
Genome position (GRCh38, 1-based): chr12:66,371,836, C>T on the plus strand (G>A on the coding strand, the complement: GRIP1 is on the minus strand). VCF-style: chr12-66371836-C-T. GRCh37 (hg19) VCF-style: chr12-66765616-C-T.
Other names: c.2669G>A, p.Arg890His (NM_001178074.2); c.2789G>A, p.Arg930His (NM_001366723.1); c.2792G>A, p.Arg931His (NM_001366724.1); c.2714G>A, p.Arg905His (NM_021150.4); short protein forms R905H, R957H, R890H, R930H, R931H.
Identifiers: ClinVar variation 310300 (VCV000310300.8), dbSNP rs202030145, ClinGen allele CA6673998.